The following is an entry in ClinVar:

NM_145239.3(PRRT2):c.170C>T (p.Ala57Val)

Genes: MVP-DT (MVP divergent transcript; minus strand), PRRT2 (proline rich transmembrane protein 2; plus strand). Cytogenetic location: 16p11.2.
Variant type: single nucleotide variant.
Coding change: c.170C>T on transcript NM_145239.3 (MANE Select); coding-DNA position 170, C replaced by T.
Protein change: p.Ala57Val; replaces alanine 57 with valine.
Molecular consequence: missense variant.
Genome position (GRCh38, 1-based): chr16:29,813,224, C>T. VCF-style: chr16-29813224-C-T. GRCh37 (hg19) VCF-style: chr16-29824545-C-T.
Other names: c.170C>T, p.Ala57Val (NM_001256442.2, NM_001256443.2); short protein forms A57V.
Identifiers: ClinVar variation 2698300 (VCV002698300.3), dbSNP rs1262636745, ClinGen allele CA395477547.

ClinVar aggregate classification (germline): Uncertain significance (1 of 4 stars; one submission).

Conditions:
Episodic kinesigenic dyskinesia (EKD). Also called: Paroxysmal kinesigenic dyskinesia. Identifiers: Orphanet 98809, MedGen C1868682, MONDO:0044202.

Submission:

Labcorp Genetics (formerly Invitae), Labcorp
Classification: Uncertain significance for Episodic kinesigenic dyskinesia. Last evaluated: 2023-11-24. Review status: criteria provided, single submitter. Criteria: Invitae Variant Classification Sherloc (09022015). Collection method: clinical testing. Allele origin: germline.
Comment: This sequence change replaces alanine, which is neutral and non-polar, with valine, which is neutral and non-polar, at codon 57 of the PRRT2 protein (p.Ala57Val). The frequency data for this variant in the population databases is considered unreliable, as metrics indicate poor data quality at this position in the gnomAD database. This variant has not been reported in the literature in individuals affected with PRRT2-related conditions. Advanced modeling of protein sequence and biophysical properties (such as structural, functional, and spatial information, amino acid conservation, physicochemical variation, residue mobility, and thermodynamic stability) performed at Invitae indicates that this missense variant is not expected to disrupt PRRT2 protein function with a negative predictive value of 95%. In summary, the available evidence is currently insufficient to determine the role of this variant in disease. Therefore, it has been classified as a Variant of Uncertain Significance.